The following is an entry in ClinVar:

NM_000341.4(SLC3A1):c.685C>T (p.Arg229Trp)

Gene: SLC3A1 (solute carrier family 3 member 1; plus strand). Cytogenetic location: 2p21.
Variant type: single nucleotide variant.
Coding change: c.685C>T on transcript NM_000341.4 (MANE Select); coding-DNA position 685, C replaced by T.
Protein change: p.Arg229Trp; replaces arginine 229 with tryptophan.
Molecular consequence: missense variant.
Genome position (GRCh38, 1-based): chr2:44,281,461, C>T. VCF-style: chr2-44281461-C-T. GRCh37 (hg19) VCF-style: chr2-44508600-C-T.
Other names: short protein forms R229W.
Identifiers: ClinVar variation 336193 (VCV000336193.9), dbSNP rs758636942, ClinGen allele CA1640215.

ClinVar aggregate classification (germline): Uncertain significance. Review status: criteria provided, multiple submitters, no conflicts (2 of 4 stars). 4 submissions from 4 submitters: Uncertain significance (4). Last evaluated 2024-04-05.

Conditions:
Cystinuria (CSNU). Also called: Cystinuria, non-type I; CYSTINURIA, TYPE I; CYSTINURIA, TYPE II; CYSTINURIA, TYPE III. Identifiers: Orphanet 214, MedGen C0010691, MONDO:0009067, OMIM 220100, HP:0003131.

Allele frequency attached by ClinVar (database versions not stated): ExAC 0.00013; TOPMed 0.00014.
gnomAD v4.1: 77 of 1,613,334 alleles (0.0048%); highest among the groups gnomAD compares: East Asian, 0.094%; no homozygotes.

Submissions (4):

Fulgent Genetics
Classification: Uncertain significance for Cystinuria. Last evaluated: 2024-04-05. Review status: criteria provided, single submitter. Criteria: ACMG Guidelines, 2015. Collection method: clinical testing. Allele origin: germline.

Department of Pathology and Laboratory Medicine, Sinai Health System
Classification: Uncertain significance for Cystinuria. Last evaluated: 2022-10-03. Review status: criteria provided, single submitter. Criteria: ACMG Guidelines, 2015. Collection method: research. Allele origin: germline.

Labcorp Genetics (formerly Invitae), Labcorp
Classification: Uncertain significance for Cystinuria. Last evaluated: 2022-02-17. Review status: criteria provided, single submitter. Criteria: Invitae Variant Classification Sherloc (09022015). Collection method: clinical testing. Allele origin: germline.
Comment: This sequence change replaces arginine, which is basic and polar, with tryptophan, which is neutral and slightly polar, at codon 229 of the SLC3A1 protein (p.Arg229Trp). This variant is present in population databases (rs758636942, gnomAD 0.1%). This variant has not been reported in the literature in individuals affected with SLC3A1-related conditions. ClinVar contains an entry for this variant (Variation ID: 336193). Algorithms developed to predict the effect of missense changes on protein structure and function output the following: SIFT: "Deleterious"; PolyPhen-2: "Benign"; Align-GVGD: "Class C0". The tryptophan amino acid residue is found in multiple mammalian species, which suggests that this missense change does not adversely affect protein function. Algorithms developed to predict the effect of sequence changes on RNA splicing suggest that this variant is not likely to affect RNA splicing. In summary, the available evidence is currently insufficient to determine the role of this variant in disease. Therefore, it has been classified as a Variant of Uncertain Significance.

Illumina Laboratory Services, Illumina
Classification: Uncertain significance for Cystinuria. Last evaluated: 2018-01-13. Review status: criteria provided, single submitter. Criteria: ICSL Variant Classification Criteria 13 December 2019. Collection method: clinical testing. Allele origin: germline.